The following is an entry in ClinVar:

ClinVar aggregate classification (germline): Likely pathogenic (1 of 4 stars; one submission).

Conditions:
Primary ciliary dyskinesia. Also called: Ciliary dyskinesia. Identifiers: Orphanet 244, MedGen C0008780, MONDO:0016575, HP:0012265.

Submission:

Natera, Inc.
Classification: Likely pathogenic for Primary ciliary dyskinesia. Last evaluated: 2025-09-26. Review status: criteria provided, single submitter. Criteria: Natera Variant Classification Schema (03/2026). Collection method: clinical testing. Allele origin: germline.
Comment: The c.282del variant in DNAI1 is a frameshift variant predicted to shift the reading frame beginning at codon 94 and leads to a stop codon 4 codons downstream. This variant is expected to result in nonsense mediated decay, truncation, or a dysfunctional protein product. This variant is rare in the general population with a frequency below the threshold expected for the associated phenotype(s). Given the available evidence, this variant is classified as Likely Pathogenic.

NM_012144.4(DNAI1):c.282del (p.Ile94fs)

Gene: DNAI1 (dynein axonemal intermediate chain 1; plus strand). Cytogenetic location: 9p13.3.
Variant type: Deletion.
Coding change: c.282del on transcript NM_012144.4 (MANE Select); coding-DNA position 282, one base deleted (T; older notation c.282delT).
Protein change: p.Ile94fs; shifts the reading frame from isoleucine 94.
Molecular consequence: frameshift variant.
Genome position (GRCh38, 1-based): chr9:34,489,343, T deleted; the last of 2 consecutive T bases (chr9:34,489,342-34,489,343); deleting either gives the same sequence. VCF-style (leftmost placement, unchanged base first): chr9-34489341-AT-A. GRCh37 (hg19) VCF-style: chr9-34489339-AT-A.
Other names: c.282del, p.Ile94fs (NM_001281428.2); short protein forms I94fs.
Identifiers: ClinVar variation 4815544 (VCV004815544.1).